The following is an entry in ClinVar:

NM_001131016.2(CIZ1):c.1118A>C (p.Lys373Thr)

Gene: CIZ1 (CDKN1A interacting zinc finger protein 1; minus strand). Cytogenetic location: 9q34.11.
Variant type: single nucleotide variant.
Coding change: c.1118A>C on transcript NM_001131016.2 (MANE Select); coding-DNA position 1118, A replaced by C.
Protein change: p.Lys373Thr; replaces lysine 373 with threonine.
Molecular consequence: missense variant.
Genome position (GRCh38, 1-based): chr9:128,179,089, T>G on the plus strand (A>C on the coding strand, the complement: CIZ1 is on the minus strand). VCF-style: chr9-128179089-T-G. GRCh37 (hg19) VCF-style: chr9-130941368-T-G.
Other names: c.1118A>C, p.Lys373Thr (NM_001131015.2, NM_012127.3); c.1103A>C, p.Lys368Thr (NM_001131017.2); c.1046A>C, p.Lys349Thr (NM_001131018.2); c.1208A>C, p.Lys403Thr (NM_001257975.2); c.815A>C, p.Lys272Thr (NM_001257976.2); short protein forms K272T, K403T, K349T, K368T, K373T.
Identifiers: ClinVar variation 1935030 (VCV001935030.5), dbSNP rs748184527, ClinGen allele CA5257376.
Genomic context (GRCh38, chr9:128,179,089, plus strand): 5'-AGCTGCACCTGCCTTGGGCCCTGTGAATGTGCCTGTGGCTGTACCTGTGGCTGCACCTGC[T>G]TCTGTGGCTCTGCCTCCTGCTGCAGCTGTGGCTGCACCTGCTTCTGTTGCAGCACTAAGT-3'
Protein context (NP_001124488.1, residues 363-383): PQLQQEAEPQ[Lys373Thr]QVQPQVQPQA

ClinVar aggregate classification (germline): Uncertain significance (1 of 4 stars; one submission).

Conditions:
Dystonic disorder. Also called: Dystonia. Identifiers: MedGen C0013421, MONDO:0003441, HP:0001332.

Allele frequency attached by ClinVar (database versions not stated): gnomAD exomes below 0.00001; ExAC 0.00001.
gnomAD v4.1: 1 of 1,613,852 alleles (0.000062%); highest among the groups gnomAD compares: Non-Finnish European, 0.000085%; no homozygotes.

Submission:

Labcorp Genetics (formerly Invitae), Labcorp
Classification: Uncertain significance for Dystonic disorder. Last evaluated: 2022-03-20. Review status: criteria provided, single submitter. Criteria: Invitae Variant Classification Sherloc (09022015). Collection method: clinical testing. Allele origin: germline.
Comment: This sequence change replaces lysine, which is basic and polar, with threonine, which is neutral and polar, at codon 373 of the CIZ1 protein (p.Lys373Thr). This variant is present in population databases (rs748184527, gnomAD 0.0009%). This variant has not been reported in the literature in individuals affected with CIZ1-related conditions. Algorithms developed to predict the effect of missense changes on protein structure and function are either unavailable or do not agree on the potential impact of this missense change (SIFT: "Deleterious"; PolyPhen-2: "Benign"; Align-GVGD: "Class C0"). In summary, the available evidence is currently insufficient to determine the role of this variant in disease. Therefore, it has been classified as a Variant of Uncertain Significance.